The following is an entry in ClinVar:

NM_001365276.2(TNXB):c.317G>A (p.Arg106His)

Gene: TNXB (tenascin XB; minus strand). Cytogenetic location: 6p21.33.
Variant type: single nucleotide variant.
Coding change: c.317G>A on transcript NM_001365276.2 (MANE Select); coding-DNA position 317, G replaced by A.
Protein change: p.Arg106His; replaces arginine 106 with histidine.
Molecular consequence: missense variant.
Genome position (GRCh38, 1-based): chr6:32,097,882, C>T on the plus strand (G>A on the coding strand, the complement: TNXB is on the minus strand). VCF-style: chr6-32097882-C-T. GRCh37 (hg19) VCF-style: chr6-32065659-C-T.
Other names: c.317G>A, p.Arg106His (NM_001428335.1, NM_019105.8); short protein forms R106H.
Identifiers: ClinVar variation 3459717 (VCV003459717.1).

ClinVar aggregate classification (germline): Uncertain significance (1 of 4 stars; one submission).

Conditions:
Cardiovascular phenotype. Identifiers: MedGen CN230736.

Submission:

Ambry Genetics
Classification: Uncertain significance for Cardiovascular phenotype. Last evaluated: 2024-07-30. Review status: criteria provided, single submitter. Criteria: Ambry Variant Classification Scheme 2023. Collection method: clinical testing. Allele origin: germline.
Comment: The p.R106H variant (also known as c.317G>A), located in coding exon 1 of the TNXB gene, results from a G to A substitution at nucleotide position 317. The arginine at codon 106 is replaced by histidine, an amino acid with highly similar properties. This amino acid position is conserved. In addition, the in silico prediction for this alteration is inconclusive. Based on the available evidence, the clinical significance of this variant remains unclear.